The following is an entry in ClinVar:

NM_001034850.3(RETREG1):c.48_49del (p.Pro17fs)

Genes: RETREG1 (reticulophagy regulator 1; minus strand), RETREG1-AS1 (RETREG1 antisense RNA 1; plus strand), LOC129993734 (ATAC-STARR-seq lymphoblastoid silent region 15947; plus strand). Cytogenetic location: 5p15.1.
Variant type: Deletion.
Coding change: c.48_49del on transcript NM_001034850.3 (MANE Select); coding-DNA positions 48 to 49, 2 bases deleted (TC; older notation c.48_49delTC).
Protein change: p.Pro17fs; shifts the reading frame from proline 17.
Molecular consequence: frameshift variant.
Genome position (GRCh38, 1-based): chr5:16,616,923-16,616,924, GA deleted on the plus strand (TC on the coding strand, the reverse complement: RETREG1 is on the minus strand); deleting any 2 consecutive bases within chr5:16,616,923-16,616,925 gives the same sequence; the c. name uses the placement nearest the transcript's 3' end. VCF-style (leftmost placement, unchanged base first): chr5-16616922-GGA-G. GRCh37 (hg19) VCF-style: chr5-16617031-GGA-G.
Other names: short protein forms P17fs.
Identifiers: ClinVar variation 1070952 (VCV001070952.7), dbSNP rs1237606770, ClinGen allele CA807044086.
Genomic context (GRCh38, chr5:16,616,922, plus strand): 5'-CGCTCTGCGGGGGATGCCTGGGGCGGTGGCGGCGACGGCGGCGCCTGCTCCTCGGCGGCA[GGA>G]GCCGGGCATCCCTCCTCGGCGTGCTCCGGAGGCGCCGGGCTCGCCATCTTCAGCTGTGCT-3'

ClinVar aggregate classification (germline): Pathogenic (1 of 4 stars; one submission).

Submission:

Labcorp Genetics (formerly Invitae), Labcorp
Classification: Pathogenic. Last evaluated: 2024-06-03. Review status: criteria provided, single submitter. Criteria: Invitae Variant Classification Sherloc (09022015). Collection method: clinical testing. Allele origin: germline.
Comment: This sequence change creates a premature translational stop signal (p.Pro17Cysfs*123) in the RETREG1 gene. It is expected to result in an absent or disrupted protein product. Loss-of-function variants in RETREG1 are known to be pathogenic (PMID: 19838196). This variant is not present in population databases (gnomAD no frequency). This variant has not been reported in the literature in individuals affected with RETREG1-related conditions. ClinVar contains an entry for this variant (Variation ID: 1070952). For these reasons, this variant has been classified as Pathogenic.

Literature cited by the submitters: PubMed 19838196.